The following is an entry in ClinVar:

ClinVar aggregate classification (germline): Uncertain significance (1 of 4 stars; one submission).

Conditions:
Hereditary cancer-predisposing syndrome. Also called: Hereditary Cancer Syndrome; Hereditary neoplastic syndrome; Tumor predisposition; Neoplastic Syndromes, Hereditary. Identifiers: Orphanet 140162, MedGen C0027672, MeSH D009386, MONDO:0015356.

Submission:

Ambry Genetics
Classification: Uncertain significance for Hereditary cancer-predisposing syndrome. Last evaluated: 2025-04-25. Review status: criteria provided, single submitter. Criteria: Ambry Variant Classification Scheme 2023. Collection method: clinical testing. Allele origin: germline.
Comment: The p.D364V variant (also known as c.1091A>T), located in coding exon 10 of the PMS2 gene, results from an A to T substitution at nucleotide position 1091. The aspartic acid at codon 364 is replaced by valine, an amino acid with highly dissimilar properties. This amino acid position is not well conserved in available vertebrate species. In addition, this alteration is predicted to be deleterious by in silico analysis. Since supporting evidence is limited at this time, the clinical significance of this alteration remains unclear.

NM_000535.7(PMS2):c.1091A>T (p.Asp364Val)

Gene: PMS2 (PMS1 homolog 2, mismatch repair system component; minus strand). Cytogenetic location: 7p22.1.
Variant type: single nucleotide variant.
Coding change: c.1091A>T on transcript NM_000535.7 (MANE Select); coding-DNA position 1091, A replaced by T.
Protein change: p.Asp364Val; replaces aspartic acid 364 with valine.
Molecular consequence: missense variant. On other transcripts: non-coding transcript variant (1), intron variant (2).
Genome position (GRCh38, 1-based): chr7:5,989,853, T>A on the plus strand (A>T on the coding strand, the complement: PMS2 is on the minus strand). VCF-style: chr7-5989853-T-A. GRCh37 (hg19) VCF-style: chr7-6029484-T-A.
Other names: c.686A>T, p.Asp229Val (NM_001018040.1, NM_001322003.2, NM_001322004.2 and 17 more transcripts); c.773A>T, p.Asp258Val (NM_001322007.2, NM_001322008.2, NM_001406876.1 and 2 more transcripts); c.158A>T, p.Asp53Val (NM_001322011.2, NM_001322012.2); c.518A>T, p.Asp173Val (NM_001322013.2, NM_001406909.1); c.1091A>T, p.Asp364Val (NM_001322014.2, NM_001406871.1, NM_001406872.1); c.782A>T, p.Asp261Val (NM_001322015.2, NM_001406875.1, NM_001406877.1 and 5 more transcripts); c.1277A>T, p.Asp426Val (NM_001406866.1); c.1115A>T, p.Asp372Val (NM_001406868.1); and 9 more; short protein forms D107V, D193V, D229V, D328V, D242V, D261V, D298V, D308V.
Identifiers: ClinVar variation 1789390 (VCV001789390.3), dbSNP rs2128747642, ClinGen allele CA366742828.
Genomic context (GRCh38, chr7:5,989,853, plus strand): 5'-TTCTTACCTTCAACATCCAGCAGTGGCTGCTGACTGACATTTAGCTTGTTGACATCACTA[T>A]CAAACATTCCTATCAAAGAGGTCTTTAAAACTGCCAACAAAAGCTTTTCCTCTTGTAGCA-3'
Protein context (NP_000526.2, residues 354-374): VLKTSLIGMF[Asp364Val]SDVNKLNVSQ